The following is an entry in ClinVar:

NM_001273.5(CHD4):c.3383C>G (p.Ala1128Gly)

Gene: CHD4 (chromodomain helicase DNA binding protein 4; minus strand). Cytogenetic location: 12p13.31.
Variant type: single nucleotide variant.
Coding change: c.3383C>G on transcript NM_001273.5 (MANE Select); coding-DNA position 3383, C replaced by G.
Protein change: p.Ala1128Gly; replaces alanine 1128 with glycine.
Molecular consequence: missense variant.
Genome position (GRCh38, 1-based): chr12:6,588,380, G>C on the plus strand (C>G on the coding strand, the complement: CHD4 is on the minus strand). VCF-style: chr12-6588380-G-C. GRCh37 (hg19) VCF-style: chr12-6697546-G-C.
Other names: c.3362C>G, p.Ala1121Gly (NM_001297553.2); c.3344C>G, p.Ala1115Gly (NM_001363606.2); short protein forms A1115G, A1128G, A1121G.
Identifiers: ClinVar variation 4294367 (VCV004294367.1).

ClinVar aggregate classification (germline): Likely pathogenic (1 of 4 stars; one submission).

Conditions:
Sifrim-Hitz-Weiss syndrome (SIHIWES). Also called: CHD4 Neurodevelopmental Disorder; SIFRIM-HITZ-WEISS MULTIPLE CONGENITAL ANOMALIES-MENTAL RETARDATION SYNDROME. Identifiers: Orphanet 653712, MedGen C4310688, MONDO:0014946, OMIM 617159.

Submission:

Laboratoire Génétique Moléculaire, CHRU TOURS
Classification: Likely pathogenic for Sifrim-Hitz-Weiss syndrome. Last evaluated: 2023-08-09. Review status: criteria provided, single submitter. Criteria: ACMG Guidelines, 2015. Collection method: clinical testing. Allele origin: maternal. Affected: yes.
Comment: PM1;PM2;PM5;PP2;PP3